The following is an entry in ClinVar:

NM_020401.4(NUP107):c.469G>T (p.Asp157Tyr)

Gene: NUP107 (nucleoporin 107; plus strand). Cytogenetic location: 12q15.
Variant type: single nucleotide variant.
Coding change: c.469G>T on transcript NM_020401.4 (MANE Select); coding-DNA position 469, G replaced by T.
Protein change: p.Asp157Tyr; replaces aspartic acid 157 with tyrosine.
Molecular consequence: missense variant.
Genome position (GRCh38, 1-based): chr12:68,696,839, G>T. VCF-style: chr12-68696839-G-T. GRCh37 (hg19) VCF-style: chr12-69090619-G-T.
Other names: c.382G>T, p.Asp128Tyr (NM_001330192.2); short protein forms D157Y, D128Y.
Identifiers: ClinVar variation 219130 (VCV000219130.2), dbSNP rs864321633, ClinGen allele CA279912.

ClinVar aggregate classification (germline): Likely pathogenic. Review status: criteria provided, single submitter (1 of 4 stars). 2 submissions from 2 submitters: Likely pathogenic (1). 1 of the submissions does not count toward it. Last evaluated 2022-09-01.

Conditions:
Nephrotic syndrome, type 11 (NPHS11). Identifiers: Orphanet 656, MedGen C4225228, MONDO:0014752, OMIM 616730.

Submissions (2):

3billion
Classification: Likely pathogenic for Nephrotic syndrome, type 11. Last evaluated: 2022-09-01. Review status: criteria provided, single submitter. Criteria: ACMG Guidelines, 2015. Collection method: clinical testing. Allele origin: germline. Affected: yes. Observed: 1 heterozygote.
Comment: The variant is not observed in the gnomAD v2.1.1 dataset. Missense changes are a common disease-causing mechanism. Same nucleotide change resulting in same amino acid change has been previously reported to be associated with NUP107-related disorder (ClinVar ID: VCV000219130 / PMID: 26411495). The variant has been reported to be in trans with a pathogenic variant as either compound heterozygous or homozygous in at least one similarly affected unrelated individual (PMID: 26411495). The variant has been reported to co-segregate with the disease in at least one similarly affected relative/individual in the same family or similarly affected unrelated family (PMID: 26411495). Therefore, this variant is classified as Likely pathogenic according to the recommendation of ACMG/AMP guideline.

OMIM
Classification: Pathogenic for NEPHROTIC SYNDROME, TYPE 11. Last evaluated: 2015-10-01. Review status: no assertion criteria provided. Collection method: literature only. Allele origin: germline. Not counted in ClinVar's aggregate classification.

Literature cited by the submitters: PubMed 26411495 (cited by 3billion and OMIM).